The following is an entry in ClinVar:

NM_000038.6(APC):c.1800T>G (p.Thr600=)

Gene: APC (APC regulator of Wnt signaling pathway; plus strand). Cytogenetic location: 5q22.2.
Variant type: single nucleotide variant.
Coding change: c.1800T>G on transcript NM_000038.6 (MANE Select); coding-DNA position 1800, T replaced by G.
Protein change: p.Thr600=; no amino-acid change (threonine 600 retained).
Molecular consequence: synonymous variant. On other transcripts: non-coding transcript variant (2).
Genome position (GRCh38, 1-based): chr5:112,835,007, T>G. VCF-style: chr5-112835007-T-G. GRCh37 (hg19) VCF-style: chr5-112170704-T-G.
Other names: c.1800T>G, p.Thr600= (NM_001127510.3, NM_001354895.2, NM_001407450.1); c.1746T>G, p.Thr582= (NM_001127511.3); c.1854T>G, p.Thr618= (NM_001354896.2, NM_001407447.1, NM_001407448.1 and 1 more transcripts); c.1830T>G, p.Thr610= (NM_001354897.2); c.1725T>G, p.Thr575= (NM_001354898.2); c.1716T>G, p.Thr572= (NM_001354899.2); c.1677T>G, p.Thr559= (NM_001354900.2); c.1623T>G, p.Thr541= (NM_001354901.2, NM_001407453.1); and 11 more.
Identifiers: ClinVar variation 1780400 (VCV001780400.2), dbSNP rs2149841655, ClinGen allele CA445758846.
Genomic context (GRCh38, chr5:112,835,007, plus strand): 5'-CTAGGAATCAACCCTCAAAAGCGTATTGAGTGCCTTATGGAATTTGTCAGCACATTGCAC[T>G]GAGAATAAAGCTGATATATGTGCTGTAGATGGTGCACTTGCATTTTTGGTTGGCACTCTT-3'
Protein context (NP_000029.2, residues 590-610): SALWNLSAHC[Thr600=]ENKADICAVD

ClinVar aggregate classification (germline): Benign/Likely benign. Review status: criteria provided, multiple submitters, no conflicts (2 of 4 stars). 2 submissions from 2 submitters: Benign (1); Likely benign (1). Last evaluated 2024-03-07.

Conditions:
Hereditary cancer-predisposing syndrome. Also called: Neoplastic Syndromes, Hereditary; Tumor predisposition; Hereditary Cancer Syndrome; Hereditary neoplastic syndrome. Identifiers: Orphanet 140162, MedGen C0027672, MeSH D009386, MONDO:0015356.
Familial adenomatous polyposis 1 (FAP1). Also called: FAMILIAL ADENOMATOUS POLYPOSIS 1, ATTENUATED; POLYPOSIS, ADENOMATOUS INTESTINAL. Identifiers: MedGen C2713442, MONDO:0021056, OMIM 175100. Disease mechanism: loss of function.

Submissions (2):

Myriad Genetics, Inc.
Classification: Benign for Familial adenomatous polyposis 1. Last evaluated: 2024-03-07. Review status: criteria provided, single submitter. Criteria: Myriad Autosomal Dominant, Autosomal Recessive and X-Linked Classification Criteria (2023). Collection method: clinical testing. Allele origin: unknown.
Comment: This variant is considered benign. This variant is a silent/synonymous amino acid change and it is not expected to impact splicing.

Ambry Genetics
Classification: Likely benign for Hereditary cancer-predisposing syndrome. Last evaluated: 2022-07-21. Review status: criteria provided, single submitter. Criteria: Ambry Variant Classification Scheme 2023. Collection method: clinical testing. Allele origin: germline.